The following is an entry in ClinVar:

ClinVar aggregate classification (germline): Benign (1 of 4 stars; one submission).

Allele frequency attached by ClinVar (database versions not stated): 1000 Genomes Project 30x 0.00047; TOPMed 0.00105; 1000 Genomes Project 0.00060; gnomAD 0.00104.

Submission:

CeGaT Center for Human Genetics Tuebingen
Classification: Benign. Last evaluated: 2022-10-01. Review status: criteria provided, single submitter. Criteria: CeGaT Center For Human Genetics Tuebingen Variant Classification Criteria Version 2. Collection method: clinical testing. Allele origin: germline. Affected: yes. Observed: 1 variant allele.
Comment: SUZ12: BS1, BS2

NC_000017.11:g.32006625G>A

Gene: SUZ12 (SUZ12 polycomb repressive complex 2 subunit; plus strand). Cytogenetic location: 17q11.2.
Variant type: single nucleotide variant.
Genome position: GRCh38 VCF-style: chr17-32006625-G-A. GRCh37 (hg19) VCF-style: chr17-30333644-G-A.
Identifiers: ClinVar variation 2647653 (VCV002647653.24), dbSNP rs188184708, ClinGen allele CA14419836.